The following is an entry in ClinVar:

ClinVar aggregate classification (germline): Likely benign. Review status: criteria provided, multiple submitters, no conflicts (2 of 4 stars). 2 submissions from 2 submitters: Likely benign (2). Last evaluated 2025-07-03.

Allele frequency attached by ClinVar (database versions not stated): gnomAD 0.00004; TOPMed 0.00006; ExAC 0.00014; gnomAD exomes 0.00003.
gnomAD v4.1: 59 of 1,609,904 alleles (0.0037%); highest among the groups gnomAD compares: Admixed American, 0.057%; no homozygotes.

Submissions (2):

Labcorp Genetics (formerly Invitae), Labcorp
Classification: Likely benign. Last evaluated: 2025-07-03. Review status: criteria provided, single submitter. Criteria: Invitae Variant Classification Sherloc (09022015). Collection method: clinical testing. Allele origin: germline.

CeGaT Center for Human Genetics Tuebingen
Classification: Likely benign. Last evaluated: 2023-10-01. Review status: criteria provided, single submitter. Criteria: CeGaT Center For Human Genetics Tuebingen Variant Classification Criteria Version 2. Collection method: clinical testing. Allele origin: germline. Affected: yes. Observed: 1 variant allele.
Comment: CLCNKB: BP4, BP7

NM_000085.5(CLCNKB):c.822C>T (p.Asp274=)

Genes: CLCNKB (chloride voltage-gated channel Kb; plus strand), LOC106501713 (CLCNKB recombination region; plus strand). Cytogenetic location: 1p36.13.
Variant type: single nucleotide variant.
Coding change: c.822C>T on transcript NM_000085.5 (MANE Select); coding-DNA position 822, C replaced by T.
Protein change: p.Asp274=; no amino-acid change (aspartic acid 274 retained).
Molecular consequence: synonymous variant.
Genome position (GRCh38, 1-based): chr1:16,049,658, C>T. VCF-style: chr1-16049658-C-T. GRCh37 (hg19) VCF-style: chr1-16376153-C-T.
Other names: c.315C>T, p.Asp105= (NM_001165945.2).
Identifiers: ClinVar variation 2061938 (VCV002061938.28), dbSNP rs771578232, ClinGen allele CA623532.